The following is an entry in ClinVar:

ClinVar aggregate classification (germline): Pathogenic/Likely pathogenic. Review status: criteria provided, multiple submitters, no conflicts (2 of 4 stars). 3 submissions from 3 submitters: Pathogenic (2); Likely pathogenic (1). Last evaluated 2025-06-30.

Conditions:
Hereditary cancer-predisposing syndrome. Also called: Neoplastic Syndromes, Hereditary; Hereditary Cancer Syndrome; Hereditary neoplastic syndrome; Tumor predisposition. Identifiers: Orphanet 140162, MedGen C0027672, MeSH D009386, MONDO:0015356.
Hereditary breast ovarian cancer syndrome. Also called: Hereditary breast and ovarian cancer; Breast and ovarian cancer; BRCA1- and BRCA2-Associated Hereditary Breast and Ovarian Cancer; Hereditary breast and/or ovarian cancer syndrome; Hereditary breast and ovarian cancer syndrome; Hereditary breast and ovarian cancer syndrome (HBOC). Identifiers: Orphanet 145, MedGen C0677776, MeSH D061325, MONDO:0003582. Disease mechanism: loss of function.

Submissions (3):

Quest Diagnostics Nichols Institute San Juan Capistrano
Classification: Likely pathogenic. Last evaluated: 2025-06-30. Review status: criteria provided, single submitter. Criteria: Quest Diagnostics criteria. Collection method: clinical testing. Allele origin: unknown.
Comment: The BRCA2 c.1156_1159del (p.Glu386Leufs*12) variant alters the translational reading frame of the BRCA2 mRNA and is predicted to cause the premature termination of BRCA2 protein synthesis. This variant has not been reported in individuals with BRCA2-related conditions in the published literature. This variant has not been reported in large, multi-ethnic general populations (Genome Aggregation Database). Based on the available information, this variant is classified as likely pathogenic.

Ambry Genetics
Classification: Pathogenic for Hereditary cancer-predisposing syndrome. Last evaluated: 2024-02-26. Review status: criteria provided, single submitter. Criteria: Ambry Variant Classification Scheme 2023. Collection method: clinical testing. Allele origin: germline.
Comment: The c.1156_1159delGAAG pathogenic mutation, located in coding exon 9 of the BRCA2 gene, results from a deletion of 4 nucleotides at nucleotide positions 1156 to 1159, causing a translational frameshift with a predicted alternate stop codon (p.E386Lfs*12). This variant is considered to be rare based on population cohorts in the Genome Aggregation Database (gnomAD). This alteration is expected to result in loss of function by premature protein truncation or nonsense-mediated mRNA decay. As such, this alteration is interpreted as a disease-causing mutation.

Labcorp Genetics (formerly Invitae), Labcorp
Classification: Pathogenic for Hereditary breast ovarian cancer syndrome. Last evaluated: 2023-02-22. Review status: criteria provided, single submitter. Criteria: Invitae Variant Classification Sherloc (09022015). Collection method: clinical testing. Allele origin: germline.
Comment: For these reasons, this variant has been classified as Pathogenic. ClinVar contains an entry for this variant (Variation ID: 1456513). This variant has not been reported in the literature in individuals affected with BRCA2-related conditions. This variant is not present in population databases (gnomAD no frequency). This sequence change creates a premature translational stop signal (p.Glu386Leufs*12) in the BRCA2 gene. It is expected to result in an absent or disrupted protein product. Loss-of-function variants in BRCA2 are known to be pathogenic (PMID: 20104584).

Literature cited by the submitters: PubMed 20104584 (cited by Labcorp Genetics (formerly Invitae), Labcorp).

NM_000059.4(BRCA2):c.1156_1159del (p.Glu386fs)

Gene: BRCA2 (BRCA2 DNA repair associated; plus strand). Cytogenetic location: 13q13.1.
Variant type: Deletion.
Coding change: c.1156_1159del on transcript NM_000059.4 (MANE Select); coding-DNA positions 1156 to 1159, 4 bases deleted (GAAG; older notation c.1156_1159delGAAG).
Protein change: p.Glu386fs; shifts the reading frame from glutamic acid 386.
Molecular consequence: frameshift variant.
Genome position (GRCh38, 1-based): chr13:32,332,634-32,332,637, GAAG deleted; deleting any 4 consecutive bases within chr13:32,332,631-32,332,637 gives the same sequence; the c. name uses the placement nearest the transcript's 3' end. VCF-style (leftmost placement, unchanged base first): chr13-32332630-CAAGG-C. GRCh37 (hg19) VCF-style: chr13-32906767-CAAGG-C.
Other names: c.1156_1159del (NM_000059.3); c.1156_1159delGAAG (NM_000059.3); short protein forms E386fs.
Identifiers: ClinVar variation 1456513 (VCV001456513.9), dbSNP rs2137468157, ClinGen allele CA2573149341.
Genomic context (GRCh38, chr13:32,332,630, plus strand): 5'-TCCATTAGATTCAAATGTAGCAAATCAGAAGCCCTTTGAGAGTGGAAGTGACAAAATCTC[CAAGG>C]AAGTTGTACCGTCTTTGGCCTGTGAATGGTCTCAACTAACCCTTTCAGGTCTAAATGGAG-3'